The following is an entry in ClinVar:

ClinVar aggregate classification (germline): Likely benign (1 of 4 stars; one submission).

Allele frequency attached by ClinVar (database versions not stated): 1000 Genomes Project 0.00020; gnomAD 0.00132 and 0.00144; TOPMed 0.00134 and 0.00162; gnomAD exomes 0.00148.
gnomAD v4.1: 284 of 210,296 alleles (0.14%); highest among the groups gnomAD compares: Non-Finnish European, 0.24%; no homozygotes.

Submission:

CeGaT Center for Human Genetics Tuebingen
Classification: Likely benign. Last evaluated: 2022-12-01. Review status: criteria provided, single submitter. Criteria: CeGaT Center For Human Genetics Tuebingen Variant Classification Criteria Version 2. Collection method: clinical testing. Allele origin: germline. Affected: yes. Observed: 3 variant alleles.
Comment: KMT2D: BS1

NM_003482.4(KMT2D):c.*1041G>T

Gene: KMT2D (lysine methyltransferase 2D; minus strand). Cytogenetic location: 12q13.12.
Variant type: single nucleotide variant.
Coding change: c.*1041G>T on transcript NM_003482.4 (MANE Select); 1041 bases downstream of the stop codon, G replaced by T.
Molecular consequence: 3 prime UTR variant.
Genome position (GRCh38, 1-based): chr12:49,020,739, C>A on the plus strand (G>T on the coding strand, the complement: KMT2D is on the minus strand). VCF-style: chr12-49020739-C-A. GRCh37 (hg19) VCF-style: chr12-49414522-C-A.
Identifiers: ClinVar variation 2642931 (VCV002642931.24), dbSNP rs563489548, ClinGen allele CA10641409.
Genomic context (GRCh38, chr12:49,020,739, plus strand): 5'-GGGCCACACCCTGCCTCACTAGGTATGGGCATGCCACTCAGGGATAGCCCTCACCCTACC[C>A]CCCACCCAACCCGTCCAGGGGCTGGAGGGCAAACAGGCTCATGATGAGGTTGGGAAAACA-3'